The following is an entry in ClinVar:

ClinVar aggregate classification (germline): Uncertain significance. Review status: criteria provided, multiple submitters, no conflicts (2 of 4 stars). 2 submissions from 2 submitters: Uncertain significance (2). Last evaluated 2025-08-31.

Conditions:
Hereditary cancer-predisposing syndrome. Also called: Neoplastic Syndromes, Hereditary; Hereditary Cancer Syndrome; Tumor predisposition; Hereditary neoplastic syndrome. Identifiers: Orphanet 140162, MedGen C0027672, MeSH D009386, MONDO:0015356.
Hereditary nonpolyposis colorectal neoplasms. Identifiers: MedGen C0009405, MeSH D003123.

Allele frequency attached by ClinVar (database versions not stated): gnomAD exomes below 0.00001; ExAC 0.00001.

Submissions (2):

Labcorp Genetics (formerly Invitae), Labcorp
Classification: Uncertain significance for Hereditary nonpolyposis colorectal neoplasms. Last evaluated: 2025-08-31. Review status: criteria provided, single submitter. Criteria: Invitae Variant Classification Sherloc (09022015). Collection method: clinical testing. Allele origin: germline.
Comment: This sequence change replaces serine, which is neutral and polar, with glycine, which is neutral and non-polar, at codon 8 of the PMS2 protein (p.Ser8Gly). This variant is present in population databases (rs772406975, gnomAD 0.0009%). This variant has not been reported in the literature in individuals affected with PMS2-related conditions. ClinVar contains an entry for this variant (Variation ID: 1936015). An algorithm developed to predict the effect of missense changes on protein structure and function (PolyPhen-2) suggests that this variant is likely to be tolerated. Algorithms developed to predict the effect of sequence changes on RNA splicing suggest that this variant may disrupt the consensus splice site. In summary, the available evidence is currently insufficient to determine the role of this variant in disease. Therefore, it has been classified as a Variant of Uncertain Significance.

Ambry Genetics
Classification: Uncertain significance for Hereditary cancer-predisposing syndrome. Last evaluated: 2024-12-08. Review status: criteria provided, single submitter. Criteria: Ambry Variant Classification Scheme 2023. Collection method: clinical testing. Allele origin: germline.
Comment: The p.S8G variant (also known as c.22A>G), located in coding exon 1 of the PMS2 gene, results from an A to G substitution at nucleotide position 22. The serine at codon 8 is replaced by glycine, an amino acid with similar properties. This amino acid position is highly conserved in available vertebrate species. In addition, the in silico prediction for this alteration is inconclusive. Based on the available evidence, the clinical significance of this variant remains unclear.

NM_000535.7(PMS2):c.22A>G (p.Ser8Gly)

Gene: PMS2 (PMS1 homolog 2, mismatch repair system component; minus strand). Cytogenetic location: 7p22.1.
Variant type: single nucleotide variant.
Coding change: c.22A>G on transcript NM_000535.7 (MANE Select); coding-DNA position 22, A replaced by G.
Protein change: p.Ser8Gly; replaces serine 8 with glycine.
Molecular consequence: missense variant. On other transcripts: 5 prime UTR variant (11), non-coding transcript variant (1).
Genome position (GRCh38, 1-based): chr7:6,008,998, T>C on the plus strand (A>G on the coding strand, the complement: PMS2 is on the minus strand). VCF-style: chr7-6008998-T-C. GRCh37 (hg19) VCF-style: chr7-6048629-T-C.
Other names: c.-379A>G (NM_001018040.1, NM_001322003.2, NM_001322013.2 and 5 more transcripts); c.-244A>G (NM_001322004.2, NM_001322010.2, NM_001406911.1); c.-574A>G (NM_001322005.2); c.22A>G, p.Ser8Gly (NM_001322006.2, NM_001322014.2, NM_001406866.1 and 11 more transcripts); c.-194A>G (NM_001322007.2, NM_001406876.1, NM_001406896.1 and 2 more transcripts); c.-54A>G (NM_001322008.2); c.-569A>G (NM_001322009.2, NM_001406897.1); c.-863A>G (NM_001322011.2); and 19 more; short protein forms S8G.
Identifiers: ClinVar variation 1936015 (VCV001936015.6), dbSNP rs772406975, ClinGen allele CA047469.
Genomic context (GRCh38, chr7:6,008,998, plus strand): 5'-CGTGGGTCTCAAAGAGGGCGCGCGAGAGGGGACACCGGAAGACTGCGAGCCCCGCTCACC[T>C]CGAGCTCTCAGCTCGCTCCATGGATGCAACACCCGATCCGCCTCGGGGACTGGGAAAGTT-3'
Protein context (NP_000526.2, residues 1-18): MERAESS[Ser8Gly]TEPAKAIKPI